The following is an entry in ClinVar:

NM_001035.3(RYR2):c.7815G>A (p.Met2605Ile)

Gene: RYR2 (ryanodine receptor 2; plus strand). Cytogenetic location: 1q43.
Variant type: single nucleotide variant.
Coding change: c.7815G>A on transcript NM_001035.3 (MANE Select); coding-DNA position 7815, G replaced by A.
Protein change: p.Met2605Ile; replaces methionine 2605 with isoleucine.
Molecular consequence: missense variant.
Genome position (GRCh38, 1-based): chr1:237,651,492, G>A. VCF-style: chr1-237651492-G-A. GRCh37 (hg19) VCF-style: chr1-237814792-G-A.
Other names: c.7815G>A (NM_001035.2); short protein forms M2605I.
Identifiers: ClinVar variation 1431317 (VCV001431317.9), dbSNP rs1244019330, ClinGen allele CA345399779.

ClinVar aggregate classification (germline): Uncertain significance. Review status: criteria provided, multiple submitters, no conflicts (2 of 4 stars). 3 submissions from 3 submitters: Uncertain significance (3). Last evaluated 2024-09-14.

Conditions:
Cardiovascular phenotype. Identifiers: MedGen CN230736.
Catecholaminergic polymorphic ventricular tachycardia 1. Also called: VENTRICULAR TACHYCARDIA, CATECHOLAMINERGIC POLYMORPHIC, 1, WITH OR WITHOUT ATRIAL DYSFUNCTION AND/OR DILATED CARDIOMYOPATHY; RYR2-Related Catecholaminergic Polymorphic Ventricular Tachycardia; VENTRICULAR TACHYCARDIA, STRESS-INDUCED POLYMORPHIC 1. Identifiers: Orphanet 3286, MedGen C1631597, MONDO:0011484, OMIM 604772.

Allele frequency attached by ClinVar (database versions not stated): gnomAD exomes below 0.00001; TOPMed 0.00002; gnomAD 0.00005 and 0.00006.
gnomAD v4.1: 11 of 1,551,784 alleles (0.00071%); highest among the groups gnomAD compares: Admixed American, 0.017%; no homozygotes.

Submissions (3):

Labcorp Genetics (formerly Invitae), Labcorp
Classification: Uncertain significance for Catecholaminergic polymorphic ventricular tachycardia 1. Last evaluated: 2024-09-14. Review status: criteria provided, single submitter. Criteria: Invitae Variant Classification Sherloc (09022015). Collection method: clinical testing. Allele origin: germline.
Comment: This sequence change replaces methionine, which is neutral and non-polar, with isoleucine, which is neutral and non-polar, at codon 2605 of the RYR2 protein (p.Met2605Ile). The frequency data for this variant in the population databases is considered unreliable, as metrics indicate poor data quality at this position in the gnomAD database. This variant has not been reported in the literature in individuals affected with RYR2-related conditions. ClinVar contains an entry for this variant (Variation ID: 1431317). Invitae Evidence Modeling of protein sequence and biophysical properties (such as structural, functional, and spatial information, amino acid conservation, physicochemical variation, residue mobility, and thermodynamic stability) indicates that this missense variant is not expected to disrupt RYR2 protein function with a negative predictive value of 95%. In summary, the available evidence is currently insufficient to determine the role of this variant in disease. Therefore, it has been classified as a Variant of Uncertain Significance.

GeneDx
Classification: Uncertain significance. Last evaluated: 2024-08-14. Review status: criteria provided, single submitter. Criteria: GeneDx Variant Classification Process June 2021. Collection method: clinical testing. Allele origin: germline. Affected: yes.
Comment: Has not been previously published as pathogenic or benign to our knowledge; Not observed at significant frequency in large population cohorts (gnomAD); Not located in one of the three hot-spot regions of the RYR2 gene, where the majority of pathogenic missense variants occur (PMID: 19926015); In silico analysis supports that this missense variant has a deleterious effect on protein structure/function; This variant is associated with the following publications: (PMID: 19926015)

Ambry Genetics
Classification: Uncertain significance for Cardiovascular phenotype. Last evaluated: 2023-06-14. Review status: criteria provided, single submitter. Criteria: Ambry Variant Classification Scheme 2023. Collection method: clinical testing. Allele origin: germline.
Comment: The p.M2605I variant (also known as c.7815G>A), located in coding exon 51 of the RYR2 gene, results from a G to A substitution at nucleotide position 7815. The methionine at codon 2605 is replaced by isoleucine, an amino acid with highly similar properties. This amino acid position is highly conserved in available vertebrate species. In addition, this alteration is predicted to be deleterious by in silico analysis. Since supporting evidence is limited at this time, the clinical significance of this alteration remains unclear.